The following is an entry in ClinVar:

ClinVar aggregate classification (germline): Conflicting classifications of pathogenicity. Review status: criteria provided, conflicting classifications (1 of 4 stars). 5 submissions from 5 submitters: Uncertain significance (1); Likely benign (3). 1 of the submissions does not count toward it. Last evaluated 2026-01-11.

Conditions:
Cardiovascular phenotype. Identifiers: MedGen CN230736.
Autosomal recessive limb-girdle muscular dystrophy type 2J (LGMDR10). Also called: Limb-girdle muscular dystrophy, type 2J; MUSCULAR DYSTROPHY, LIMB-GIRDLE, AUTOSOMAL RECESSIVE 10. Identifiers: Orphanet 140922, MedGen C1837342, MONDO:0012127, OMIM 608807.
Dilated cardiomyopathy 1G (CMD1G). Identifiers: Orphanet 154, MedGen C1858763, MONDO:0011400, OMIM 604145.
TTN-related disorder. Also called: TTN-related disorders; TTN-related condition; TTN-related disease.

Allele frequency attached by ClinVar (database versions not stated): gnomAD 0.00002 and 0.00004; gnomAD exomes 0.00003 and 0.00006; TOPMed 0.00003; ExAC 0.00009; 1000 Genomes Project 30x 0.00016.
gnomAD v4.1: 47 of 1,613,144 alleles (0.0029%); highest among the groups gnomAD compares: East Asian, 0.063%; no homozygotes.

Submissions (5):

Labcorp Genetics (formerly Invitae), Labcorp
Classification: Likely benign for Dilated cardiomyopathy 1G; Autosomal recessive limb-girdle muscular dystrophy type 2J. Last evaluated: 2026-01-11. Review status: criteria provided, single submitter. Criteria: Invitae Variant Classification Sherloc (09022015). Collection method: clinical testing. Allele origin: germline.

Blueprint Genetics
Classification: Likely benign. Last evaluated: 2024-10-22. Review status: criteria provided, single submitter. Criteria: ACMG Guidelines, 2015. Collection method: clinical testing. Allele origin: germline.

Ambry Genetics
Classification: Likely benign for Cardiovascular phenotype. Last evaluated: 2023-03-31. Review status: criteria provided, single submitter. Criteria: Ambry Variant Classification Scheme 2023. Collection method: clinical testing. Allele origin: germline.

CeGaT Center for Human Genetics Tuebingen
Classification: Uncertain significance. Last evaluated: 2019-08-01. Review status: criteria provided, single submitter. Criteria: CeGaT Center For Human Genetics Tuebingen Variant Classification Criteria Version 2. Collection method: clinical testing. Allele origin: germline. Affected: yes. Observed: 1 variant allele.

PreventionGenetics, part of Exact Sciences
Classification: Likely benign for TTN-related condition. Last evaluated: 2023-11-22. Review status: no assertion criteria provided. Collection method: clinical testing. Allele origin: germline. Not counted in ClinVar's aggregate classification.
Comment: This variant is classified as likely benign based on ACMG/AMP sequence variant interpretation guidelines (Richards et al. 2015 PMID: 25741868, with internal and published modifications).

NM_001267550.2(TTN):c.67146C>T (p.Gly22382=)

Genes: TTN (titin; minus strand), TTN-AS1 (TTN antisense RNA 1; plus strand). Cytogenetic location: 2q31.2.
Variant type: single nucleotide variant.
Coding change: c.67146C>T on transcript NM_001267550.2 (MANE Select); coding-DNA position 67146, C replaced by T.
Protein change: p.Gly22382=; no amino-acid change (glycine 22382 retained).
Molecular consequence: synonymous variant.
Genome position (GRCh38, 1-based): chr2:178,580,141, G>A on the plus strand (C>T on the coding strand, the complement: TTN is on the minus strand). VCF-style: chr2-178580141-G-A. GRCh37 (hg19) VCF-style: chr2-179444868-G-A.
Other names: c.62223C>T, p.Gly20741= (NM_001256850.1); c.39951C>T, p.Gly13317= (NM_003319.4); c.59442C>T, p.Gly19814= (NM_133378.4); c.40326C>T, p.Gly13442= (NM_133432.3); c.40527C>T, p.Gly13509= (NM_133437.4).
Identifiers: ClinVar variation 702657 (VCV000702657.53), dbSNP rs770418172, ClinGen allele CA1991363.